The following is an entry in ClinVar:

NM_004415.4(DSP):c.2774G>C (p.Arg925Pro)

Gene: DSP (desmoplakin; plus strand). Cytogenetic location: 6p24.3.
Variant type: single nucleotide variant.
Coding change: c.2774G>C on transcript NM_004415.4 (MANE Select); coding-DNA position 2774, G replaced by C.
Protein change: p.Arg925Pro; replaces arginine 925 with proline.
Molecular consequence: missense variant.
Genome position (GRCh38, 1-based): chr6:7,576,437, G>C. VCF-style: chr6-7576437-G-C. GRCh37 (hg19) VCF-style: chr6-7576670-G-C.
Other names: c.2774G>C, p.Arg925Pro (NM_001008844.3, NM_001319034.2); short protein forms R925P.
Identifiers: ClinVar variation 4794907 (VCV004794907.1).

ClinVar aggregate classification (germline): Uncertain significance (1 of 4 stars; one submission).

Conditions:
Arrhythmogenic right ventricular dysplasia 8 (ARVD8). Also called: Arrhythmogenic Right Ventricular Dysplasia/Cardiomyopathy 8; ARRHYTHMOGENIC RIGHT VENTRICULAR DYSPLASIA, FAMILIAL, 8; ARRHYTHMOGENIC RIGHT VENTRICULAR CARDIOMYOPATHY 8. Identifiers: MedGen C1843896, MONDO:0011831, OMIM 607450.
Arrhythmogenic cardiomyopathy with wooly hair and keratoderma. Also called: PALMOPLANTAR KERATODERMA WITH LEFT VENTRICULAR CARDIOMYOPATHY AND WOOLLY HAIR; Dilated cardiomyopathy with woolly hair and keratoderma; Arrhythmogenic cardiomyopathy with woolly hair and keratoderma; Carvajal syndrome. Identifiers: Orphanet 65282, MedGen C1854063, MONDO:0011581, OMIM 605676.

gnomAD v4.1: 1 of 1,613,928 alleles (0.000062%); highest among the groups gnomAD compares: Non-Finnish European, 0.000085%; no homozygotes.

Submission:

Labcorp Genetics (formerly Invitae), Labcorp
Classification: Uncertain significance for Arrhythmogenic cardiomyopathy with wooly hair and keratoderma; Arrhythmogenic right ventricular dysplasia 8. Last evaluated: 2025-06-11. Review status: criteria provided, single submitter. Criteria: Invitae Variant Classification Sherloc (09022015). Collection method: clinical testing. Allele origin: germline.
Comment: This sequence change replaces arginine, which is basic and polar, with proline, which is neutral and non-polar, at codon 925 of the DSP protein (p.Arg925Pro). This variant is not present in population databases (gnomAD no frequency). This missense change has been observed in individual(s) with dilated cardiomyopathy (PMID: 32826072). An algorithm developed to predict the effect of missense changes on protein structure and function (PolyPhen-2) suggests that this variant is likely to be disruptive. In summary, the available evidence is currently insufficient to determine the role of this variant in disease. Therefore, it has been classified as a Variant of Uncertain Significance.

Literature cited by the submitters: PubMed 32826072.